The following is an entry in ClinVar:

ClinVar aggregate classification (germline): Uncertain significance. Review status: criteria provided, multiple submitters, no conflicts (2 of 4 stars). 2 submissions from 2 submitters: Uncertain significance (2). Last evaluated 2022-10-24.

Conditions:
Congenital secretory diarrhea, chloride type (DIAR1). Also called: DIARRHEA 1, SECRETORY CHLORIDE, CONGENITAL; CHLORIDORRHEA, CONGENITAL; CHLORIDE DIARRHEA, CONGENITAL, FINNISH TYPE. Identifiers: Orphanet 53689, MedGen C0267662, MONDO:0008964, OMIM 214700.

Allele frequency attached by ClinVar (database versions not stated): TOPMed 0.00001.

Submissions (2):

Labcorp Genetics (formerly Invitae), Labcorp
Classification: Uncertain significance. Last evaluated: 2022-10-24. Review status: criteria provided, single submitter. Criteria: Invitae Variant Classification Sherloc (09022015). Collection method: clinical testing. Allele origin: germline.
Comment: This sequence change replaces alanine, which is neutral and non-polar, with threonine, which is neutral and polar, at codon 177 of the SLC26A3 protein (p.Ala177Thr). This variant is present in population databases (rs769586560, gnomAD 0.05%). This variant has not been reported in the literature in individuals affected with SLC26A3-related conditions. ClinVar contains an entry for this variant (Variation ID: 911309). Advanced modeling of protein sequence and biophysical properties (such as structural, functional, and spatial information, amino acid conservation, physicochemical variation, residue mobility, and thermodynamic stability) performed at Invitae indicates that this missense variant is not expected to disrupt SLC26A3 protein function. In summary, the available evidence is currently insufficient to determine the role of this variant in disease. Therefore, it has been classified as a Variant of Uncertain Significance.

Illumina Laboratory Services, Illumina
Classification: Uncertain significance for Congenital secretory diarrhea, chloride type. Last evaluated: 2018-01-13. Review status: criteria provided, single submitter. Criteria: ICSL Variant Classification Criteria 13 December 2019. Collection method: clinical testing. Allele origin: germline.

NM_000111.3(SLC26A3):c.529G>A (p.Ala177Thr)

Gene: SLC26A3 (solute carrier family 26 member 3; minus strand). Cytogenetic location: 7q22.3.
Variant type: single nucleotide variant.
Coding change: c.529G>A on transcript NM_000111.3 (MANE Select); coding-DNA position 529, G replaced by A.
Protein change: p.Ala177Thr; replaces alanine 177 with threonine.
Molecular consequence: missense variant.
Genome position (GRCh38, 1-based): chr7:107,791,089, C>T on the plus strand (G>A on the coding strand, the complement: SLC26A3 is on the minus strand). VCF-style: chr7-107791089-C-T. GRCh37 (hg19) VCF-style: chr7-107431534-C-T.
Other names: short protein forms A177T.
Identifiers: ClinVar variation 911309 (VCV000911309.8), dbSNP rs769586560, ClinGen allele CA4434106.